The following is an entry in ClinVar:

ClinVar aggregate classification (germline): Likely pathogenic (1 of 4 stars; one submission).

Conditions:
Acyl-CoA dehydrogenase 9 deficiency. Also called: Acyl-CoA dehydrogenase family, member 9, deficiency of; MITOCHONDRIAL COMPLEX I DEFICIENCY, NUCLEAR TYPE 20. Identifiers: Orphanet 99901, MedGen C4747517, MONDO:0012624, OMIM 611126.

gnomAD v4.1: 24 of 1,614,174 alleles (0.0015%); highest among the groups gnomAD compares: East Asian, 0.0022%; no homozygotes.

Submission:

Natera, Inc.
Classification: Likely pathogenic for ACAD9 deficiency. Last evaluated: 2025-06-16. Review status: criteria provided, single submitter. Criteria: Natera Variant Classification Schema (03/2026). Collection method: clinical testing. Allele origin: germline.
Comment: The c.1150G>A variant in ACAD9 is a missense variant predicted to cause substitution of valine to methionine at amino acid 384. This variant is rare in the general population with a frequency below the threshold expected for the associated phenotype(s). This variant has been observed in one or more individuals affected with the associated recessive disease, as either homozygous or compound heterozygous with a second variant (PMID: 30025539, 29142257). Additionally, this variant has been observed to segregate in affected family members (PMID: 30025539). Computational prediction algorithms indicate this variant is likely to affect gene or protein function. Given the available evidence, this variant is classified as Likely Pathogenic.

Literature cited by the submitters: PubMed 30025539; PubMed 29142257.

NM_014049.5(ACAD9):c.1150G>A (p.Val384Met)

Gene: ACAD9 (acyl-CoA dehydrogenase family member 9; plus strand). Cytogenetic location: 3q21.3.
Variant type: single nucleotide variant.
Coding change: c.1150G>A on transcript NM_014049.5 (MANE Select); coding-DNA position 1150, G replaced by A.
Protein change: p.Val384Met; replaces valine 384 with methionine.
Molecular consequence: missense variant. On other transcripts: non-coding transcript variant (1).
Genome position (GRCh38, 1-based): chr3:128,906,121, G>A. VCF-style: chr3-128906121-G-A. GRCh37 (hg19) VCF-style: chr3-128624964-G-A.
Other names: c.781G>A, p.Val261Met (NM_001410805.1); short protein forms V261M, V384M.
Identifiers: ClinVar variation 4815581 (VCV004815581.1).